The following is an entry in ClinVar:

ClinVar aggregate classification (germline): Uncertain significance (1 of 4 stars; one submission).

Conditions:
Pontocerebellar hypoplasia type 9. Identifiers: OMIM 615809, Orphanet 369920, MedGen C4014354, MONDO:0014351.
Hereditary spastic paraplegia 63. Also called: Spastic paraplegia 63, autosomal recessive. Identifiers: Orphanet 401805, MedGen C3810295, MONDO:0014305, OMIM 615686.

Submission:

Labcorp Genetics (formerly Invitae), Labcorp
Classification: Uncertain significance for Pontocerebellar hypoplasia type 9; Hereditary spastic paraplegia 63. Last evaluated: 2023-08-10. Review status: criteria provided, single submitter. Criteria: Invitae Variant Classification Sherloc (09022015). Collection method: clinical testing. Allele origin: germline.
Comment: This sequence change replaces valine, which is neutral and non-polar, with leucine, which is neutral and non-polar, at codon 332 of the AMPD2 protein (p.Val332Leu). This variant is not present in population databases (gnomAD no frequency). This variant has not been reported in the literature in individuals affected with AMPD2-related conditions. ClinVar contains an entry for this variant (Variation ID: 1384834). An algorithm developed to predict the effect of missense changes on protein structure and function (PolyPhen-2) suggests that this variant is likely to be tolerated. In summary, the available evidence is currently insufficient to determine the role of this variant in disease. Therefore, it has been classified as a Variant of Uncertain Significance.

NM_001368809.2(AMPD2):c.832G>C (p.Val278Leu)

Gene: AMPD2 (adenosine monophosphate deaminase 2; plus strand). Cytogenetic location: 1p13.3.
Variant type: single nucleotide variant.
Coding change: c.832G>C on transcript NM_001368809.2 (MANE Select); coding-DNA position 832, G replaced by C.
Protein change: p.Val278Leu; replaces valine 278 with leucine.
Molecular consequence: missense variant.
Genome position (GRCh38, 1-based): chr1:109,627,288, G>C. VCF-style: chr1-109627288-G-C. GRCh37 (hg19) VCF-style: chr1-110169910-G-C.
Other names: c.640G>C, p.Val214Leu (NM_001257361.2); c.769G>C, p.Val257Leu (NM_001308170.1); c.832G>C, p.Val278Leu (NM_004037.9); c.751G>C, p.Val251Leu (NM_139156.4); short protein forms V251L, V257L, V278L, V214L.
Identifiers: ClinVar variation 1384834 (VCV001384834.8), dbSNP rs770528852, ClinGen allele CA341556373.